The following is an entry in ClinVar:

NM_001042424.3(NSD2):c.2986-10_2986-7dup

Gene: NSD2 (nuclear receptor binding SET domain protein 2; plus strand). Cytogenetic location: 4p16.3.
Variant type: Duplication.
Coding change: c.2986-10_2986-7dup on transcript NM_001042424.3 (MANE Select); 10 bases into the intron before coding-DNA position 2986 through 7 bases into the intron before coding-DNA position 2986, 4 bases duplicated (TTCC; older notation c.2986-10_2986-7dupTTCC).
Molecular consequence: intron variant.
Genome position (GRCh38, 1-based): chr4:1,959,461-1,959,464, TTCC duplicated; duplicating any 4 consecutive bases within chr4:1,959,458-1,959,464 gives the same sequence; the c. name uses the placement nearest the transcript's 3' end. VCF-style (leftmost placement, unchanged base first): chr4-1959457-C-CTCCT. GRCh37 (hg19) VCF-style: chr4-1961184-C-CTCCT.
Other names: c.2986-10_2986-7dup (NM_001440892.1, NM_001440894.1, NM_133330.3 and 2 more transcripts); c.3085-10_3085-7dup (NM_001440893.1); c.2017-10_2017-7dup (NM_001440900.1, NM_001440899.1); c.2986-157_2986-154dup (NM_001440895.1); c.2785-10_2785-7dup (NM_001440896.1); c.2779-10_2779-7dup (NM_001440897.1, NM_001440898.1).
Identifiers: ClinVar variation 4883999 (VCV004883999.2).

ClinVar aggregate classification (germline): Uncertain significance (1 of 4 stars; one submission).

Conditions:
4p partial monosomy syndrome (WHS). Also called: CHROMOSOME 4p16.3 DELETION SYNDROME; PITT SYNDROME; Wolf-Hirschhorn syndrome; WITTWER SYNDROME. Identifiers: Orphanet 280, MedGen C1956097, MONDO:0008684, OMIM 194190.

Submission:

Dasa
Classification: Uncertain significance for Wolf-Hirschhorn syndrome. Last evaluated: 2025-06-20. Review status: criteria provided, single submitter. Criteria: DASA Assertion Criteria. Collection method: clinical testing. Allele origin: germline.
Comment: NM_001042424.3(NSD2):c.2986-10_2986-7dup is a splice-region variant. This variant is absent from population databases. Computational prediction algorithms are consistent with a deleterious effect. The currently available literature and clinical evidence are not sufficient to establish a definitive association between this variant and the reported condition. Therefore, this variant is classified as a variant of uncertain significance.